The following is an entry in ClinVar:

NM_000051.4(ATM):c.411C>A (p.Tyr137Ter)

Gene: ATM (ATM serine/threonine kinase; plus strand). Cytogenetic location: 11q22.3.
Variant type: single nucleotide variant.
Coding change: c.411C>A on transcript NM_000051.4 (MANE Select); coding-DNA position 411, C replaced by A.
Protein change: p.Tyr137Ter; replaces tyrosine 137 with a stop codon.
Molecular consequence: nonsense.
Genome position (GRCh38, 1-based): chr11:108,235,749, C>A. VCF-style: chr11-108235749-C-A. GRCh37 (hg19) VCF-style: chr11-108106476-C-A.
Other names: c.411C>A, p.Tyr137Ter (NM_001351834.2); short protein forms Y137*.
Identifiers: ClinVar variation 824605 (VCV000824605.13), dbSNP rs756160533, ClinGen allele CA382525051.
Genomic context (GRCh38, chr11:108,235,749, plus strand): 5'-TCAAGAACTCTTAAATTATATCATGGATACAGTGAAAGATTCATCTAATGGTGCTATTTA[C>A]GGAGCTGATTGTAGCAACATACTACTCAAAGACATTCTTTCTGTGAGAAAATACTGGTGT-3'

ClinVar aggregate classification (germline): Pathogenic. Review status: criteria provided, multiple submitters, no conflicts (2 of 4 stars). 4 submissions from 4 submitters: Pathogenic (3). 1 of the submissions does not count toward it. Last evaluated 2025-10-05.

Conditions:
Familial cancer of breast. Also called: BREAST CANCER, FAMILIAL; hereditary breast carcinoma; Hereditary breast cancer. Identifiers: Orphanet 227535, MedGen C0346153, MONDO:0016419, OMIM 114480. Disease mechanism: loss of function.
Carcinoma of colon (CRC). Also called: Colonic carcinoma; Colon carcinoma. Identifiers: MedGen C0699790, MONDO:0002032.
Hereditary cancer-predisposing syndrome. Also called: Hereditary Cancer Syndrome; Hereditary neoplastic syndrome; Neoplastic Syndromes, Hereditary; Tumor predisposition. Identifiers: Orphanet 140162, MedGen C0027672, MeSH D009386, MONDO:0015356.
Ataxia-telangiectasia syndrome (AT). Also called: Ataxia-telangiectasia, complementation group E; LOUIS-BAR SYNDROME; Cerebello-oculocutaneous telangiectasia; Immunodeficiency with ataxia telangiectasia; Ataxia-telangiectasia, complementation group D; AT, COMPLEMENTATION GROUP C. Identifiers: Orphanet 100, MedGen C0004135, MONDO:0008840, OMIM 208900.

Submissions (4):

Labcorp Genetics (formerly Invitae), Labcorp
Classification: Pathogenic for Ataxia-telangiectasia syndrome. Last evaluated: 2025-10-05. Review status: criteria provided, single submitter. Criteria: Invitae Variant Classification Sherloc (09022015). Collection method: clinical testing. Allele origin: germline.
Comment: This sequence change creates a premature translational stop signal (p.Tyr137*) in the ATM gene. It is expected to result in an absent or disrupted protein product. Loss-of-function variants in ATM are known to be pathogenic (PMID: 23807571, 25614872). This variant is not present in population databases (gnomAD no frequency). This variant has not been reported in the literature in individuals affected with ATM-related conditions. ClinVar contains an entry for this variant (Variation ID: 824605). Algorithms developed to predict the effect of sequence changes on RNA splicing suggest that this variant may disrupt the consensus splice site. For these reasons, this variant has been classified as Pathogenic.

Ambry Genetics
Classification: Pathogenic for Hereditary cancer-predisposing syndrome. Last evaluated: 2025-05-15. Review status: criteria provided, single submitter. Criteria: Ambry Variant Classification Scheme 2023. Collection method: clinical testing. Allele origin: germline.
Comment: The p.Y137* pathogenic mutation (also known as c.411C>A), located in coding exon 4 of the ATM gene, results from a C to A substitution at nucleotide position 411. This changes the amino acid from a tyrosine to a stop codon within coding exon 4. This variant is considered to be rare based on population cohorts in the Genome Aggregation Database (gnomAD). This alteration is expected to result in loss of function by premature protein truncation or nonsense-mediated mRNA decay. As such, this alteration is interpreted as a disease-causing mutation.

Myriad Genetics, Inc.
Classification: Pathogenic for Familial cancer of breast. Last evaluated: 2024-01-09. Review status: criteria provided, single submitter. Criteria: Myriad Autosomal Dominant, Autosomal Recessive and X-Linked Classification Criteria (2023). Collection method: clinical testing. Allele origin: unknown.
Comment: This variant is considered pathogenic. This variant creates a termination codon and is predicted to result in premature protein truncation.

Department of Pathology and Laboratory Medicine, Sinai Health System
Classification: Likely pathogenic for Carcinoma of colon. Review status: no assertion criteria provided. Collection method: clinical testing. Allele origin: unknown. Affected: yes. Study: The Canadian Open Genetics Repository (COGR). Not counted in ClinVar's aggregate classification.
Comment: The ATM p.Tyr137* variant was not identified in the literature nor was it identified in the dbSNP, ClinVar, or LOVD 3.0 databases. The variant was also not identified in the following control databases: the Exome Aggregation Consortium (August 8th 2016), or the Genome Aggregation Database (Feb 27, 2017). The c.411C>A variant leads to a premature stop codon at amino acid position 137, located in exon 5 of a total of 63 exons for ATM. This variant is predicted to lead to a truncated protein and loss of function. Loss of function variants of the ATM gene are an established mechanism of disease in ATM associated cancers. Other truncating variants identified within the same ATM near this loci p.Tyr137 are reported in ClinVar as pathogenic. Computational prediction software programs (SpliceSiteFinder, MaxEntScan, NNSPLICE, GeneSplicer) predict a greater than 10% difference in splicing; this is not very predictive of pathogenicity. In summary, based on the above information the clinical significance of this variant cannot be determined with certainty at this time although we would lean towards a more pathogenic role for this variant. This variant is classified as likely pathogenic.

Literature cited by the submitters: PubMed 23807571 (cited by Labcorp Genetics (formerly Invitae), Labcorp); PubMed 25614872 (cited by Labcorp Genetics (formerly Invitae), Labcorp).